The following is an entry in ClinVar:

NM_014003.4(DHX38):c.679C>T (p.Arg227Cys)

Gene: DHX38 (DEAH-box helicase 38; plus strand). Cytogenetic location: 16q22.2.
Variant type: single nucleotide variant.
Coding change: c.679C>T on transcript NM_014003.4 (MANE Select); coding-DNA position 679, C replaced by T.
Protein change: p.Arg227Cys; replaces arginine 227 with cysteine.
Molecular consequence: missense variant.
Genome position (GRCh38, 1-based): chr16:72,098,707, C>T. VCF-style: chr16-72098707-C-T. GRCh37 (hg19) VCF-style: chr16-72132606-C-T.
Other names: short protein forms R227C.
Identifiers: ClinVar variation 1417693 (VCV001417693.6), dbSNP rs771702994, ClinGen allele CA8160038.
Genomic context (GRCh38, chr16:72,098,707, plus strand): 5'-GCAGCCACCCCTTCAAGGTCTACCTGGGAGGAAGAGGACAGTGGCTATGGCTCCTCAAGG[C>T]GCTCACAGTGGGAATCGCCCTCCCCGACGCCTTCCTATCGGGATTCTGAGCGGAGCCATC-3'
Protein context (NP_054722.2, residues 217-237): EEDSGYGSSR[Arg227Cys]SQWESPSPTP

ClinVar aggregate classification (germline): Uncertain significance (1 of 4 stars; one submission).

Allele frequency attached by ClinVar (database versions not stated): gnomAD 0.00001; gnomAD exomes 0.00001 and 0.00002; ExAC 0.00002; TOPMed 0.00002.

Submission:

Labcorp Genetics (formerly Invitae), Labcorp
Classification: Uncertain significance. Last evaluated: 2024-02-17. Review status: criteria provided, single submitter. Criteria: Invitae Variant Classification Sherloc (09022015). Collection method: clinical testing. Allele origin: germline.
Comment: This sequence change replaces arginine, which is basic and polar, with cysteine, which is neutral and slightly polar, at codon 227 of the DHX38 protein (p.Arg227Cys). This variant is present in population databases (rs771702994, gnomAD 0.006%). This variant has not been reported in the literature in individuals affected with DHX38-related conditions. ClinVar contains an entry for this variant (Variation ID: 1417693). An algorithm developed to predict the effect of missense changes on protein structure and function (PolyPhen-2) suggests that this variant is likely to be disruptive. In summary, the available evidence is currently insufficient to determine the role of this variant in disease. Therefore, it has been classified as a Variant of Uncertain Significance.